The following is an entry in ClinVar:

NM_004655.4(AXIN2):c.1565A>C (p.His522Pro)

Gene: AXIN2 (axin 2; minus strand). Cytogenetic location: 17q24.1.
Variant type: single nucleotide variant.
Coding change: c.1565A>C on transcript NM_004655.4 (MANE Select); coding-DNA position 1565, A replaced by C.
Protein change: p.His522Pro; replaces histidine 522 with proline.
Molecular consequence: missense variant.
Genome position (GRCh38, 1-based): chr17:65,537,471, T>G on the plus strand (A>C on the coding strand, the complement: AXIN2 is on the minus strand). VCF-style: chr17-65537471-T-G. GRCh37 (hg19) VCF-style: chr17-63533589-T-G.
Other names: c.1565A>C, p.His522Pro (NM_001363813.1); short protein forms H522P.
Identifiers: ClinVar variation 1021610 (VCV001021610.10), dbSNP rs2043949211, ClinGen allele CA400677251.

ClinVar aggregate classification (germline): Uncertain significance. Review status: criteria provided, multiple submitters, no conflicts (2 of 4 stars). 2 submissions from 2 submitters: Uncertain significance (2). Last evaluated 2025-01-22.

Conditions:
Oligodontia-cancer predisposition syndrome. Also called: TOOTH AGENESIS-COLORECTAL CANCER SYNDROME. Identifiers: Orphanet 300576, MedGen C1837750, MONDO:0012075, OMIM 608615. Disease mechanism: loss of function.
Hereditary cancer-predisposing syndrome. Also called: Hereditary Cancer Syndrome; Neoplastic Syndromes, Hereditary; Tumor predisposition; Hereditary neoplastic syndrome. Identifiers: Orphanet 140162, MedGen C0027672, MeSH D009386, MONDO:0015356.

Submissions (2):

Ambry Genetics
Classification: Uncertain significance for Hereditary cancer-predisposing syndrome. Last evaluated: 2025-01-22. Review status: criteria provided, single submitter. Criteria: Ambry Variant Classification Scheme 2023. Collection method: clinical testing. Allele origin: germline.
Comment: The p.H522P variant (also known as c.1565A>C), located in coding exon 5 of the AXIN2 gene, results from an A to C substitution at nucleotide position 1565. The histidine at codon 522 is replaced by proline, an amino acid with similar properties. This amino acid position is highly conserved in available vertebrate species. In addition, the in silico prediction for this alteration is inconclusive. Based on the available evidence, the clinical significance of this variant remains unclear.

Labcorp Genetics (formerly Invitae), Labcorp
Classification: Uncertain significance for Oligodontia-cancer predisposition syndrome. Last evaluated: 2021-10-23. Review status: criteria provided, single submitter. Criteria: Invitae Variant Classification Sherloc (09022015). Collection method: clinical testing. Allele origin: germline.
Comment: This variant is not present in population databases (ExAC no frequency). This variant has not been reported in the literature in individuals affected with AXIN2-related conditions. Algorithms developed to predict the effect of missense changes on protein structure and function (SIFT, PolyPhen-2, Align-GVGD) all suggest that this variant is likely to be disruptive. In summary, the available evidence is currently insufficient to determine the role of this variant in disease. Therefore, it has been classified as a Variant of Uncertain Significance. This sequence change replaces histidine with proline at codon 522 of the AXIN2 protein (p.His522Pro). The histidine residue is highly conserved and there is a moderate physicochemical difference between histidine and proline.